The following is an entry in ClinVar:

NM_058216.3(RAD51C):c.732T>G (p.Ile244Met)

Gene: RAD51C (RAD51 paralog C; plus strand). Cytogenetic location: 17q22.
Variant type: single nucleotide variant.
Coding change: c.732T>G on transcript NM_058216.3 (MANE Select); coding-DNA position 732, T replaced by G.
Protein change: p.Ile244Met; replaces isoleucine 244 with methionine.
Molecular consequence: missense variant. On other transcripts: non-coding transcript variant (1).
Genome position (GRCh38, 1-based): chr17:58,709,885, T>G. VCF-style: chr17-58709885-T-G. GRCh37 (hg19) VCF-style: chr17-56787246-T-G.
Other names: short protein forms I244M.
Identifiers: ClinVar variation 942658 (VCV000942658.9), dbSNP rs2048495083, ClinGen allele CA400353379.

ClinVar aggregate classification (germline): Uncertain significance (1 of 4 stars; one submission).

Conditions:
Fanconi anemia complementation group O. Also called: RAD51C-Related Fanconi Anemia. Identifiers: Orphanet 84, MedGen C3150653, MONDO:0013248, OMIM 613390.

Submission:

Labcorp Genetics (formerly Invitae), Labcorp
Classification: Uncertain significance for Fanconi anemia complementation group O. Last evaluated: 2019-06-28. Review status: criteria provided, single submitter. Criteria: Invitae Variant Classification Sherloc (09022015). Collection method: clinical testing. Allele origin: germline.
Comment: This sequence change replaces isoleucine with methionine at codon 244 of the RAD51C protein (p.Ile244Met). The isoleucine residue is highly conserved and there is a small physicochemical difference between isoleucine and methionine. This variant is not present in population databases (ExAC no frequency). This variant has not been reported in the literature in individuals with RAD51C-related conditions. Algorithms developed to predict the effect of missense changes on protein structure and function are either unavailable or do not agree on the potential impact of this missense change (SIFT: "Deleterious"; PolyPhen-2: "Possibly Damaging"; Align-GVGD: "Class C0"). Algorithms developed to predict the effect of sequence changes on RNA splicing suggest that this variant may create or strengthen a splice site, but this prediction has not been confirmed by published transcriptional studies. In summary, the available evidence is currently insufficient to determine the role of this variant in disease. Therefore, it has been classified as a Variant of Uncertain Significance.